The following is an entry in ClinVar:

ClinVar aggregate classification (germline): Benign (0 of 4 stars; one submission).

Conditions:
FAT3-related disorder. Also called: FAT3-related condition.

Allele frequency attached by ClinVar (database versions not stated): 1000 Genomes Project 30x 0.00453; 1000 Genomes Project 0.00499.
gnomAD v4.1: 1,447 of 1,613,998 alleles (0.09%); highest among the groups gnomAD compares: East Asian, 2.8%; 24 homozygotes.

Submission:

PreventionGenetics, part of Exact Sciences
Classification: Benign for FAT3-related condition. Last evaluated: 2019-08-30. Review status: no assertion criteria provided. Collection method: clinical testing. Allele origin: germline.
Comment: This variant is classified as benign based on ACMG/AMP sequence variant interpretation guidelines (Richards et al. 2015 PMID: 25741868, with internal and published modifications).

NM_001367949.2(FAT3):c.11184C>T (p.His3728=)

Gene: FAT3 (FAT atypical cadherin 3; plus strand). Cytogenetic location: 11q14.3.
Variant type: single nucleotide variant.
Coding change: c.11184C>T on transcript NM_001367949.2 (MANE Select); coding-DNA position 11184, C replaced by T.
Protein change: p.His3728=; no amino-acid change (histidine 3728 retained).
Molecular consequence: synonymous variant.
Genome position (GRCh38, 1-based): chr11:92,844,551, C>T. VCF-style: chr11-92844551-C-T. GRCh37 (hg19) VCF-style: chr11-92577717-C-T.
Other names: c.11184C>T, p.His3728= (NM_001008781.3).
Identifiers: ClinVar variation 3035278 (VCV003035278.2), dbSNP rs117144267, ClinGen allele CA6228274.